The following is an entry in ClinVar:

ClinVar aggregate classification (germline): Conflicting classifications of pathogenicity. Review status: criteria provided, conflicting classifications (1 of 4 stars). 2 submissions from 2 submitters: Uncertain significance (1); Likely benign (1). Last evaluated 2025-06-15.

Conditions:
Cardiovascular phenotype. Identifiers: MedGen CN230736.

gnomAD v4.1: 3 of 1,613,864 alleles (0.00019%); highest among the groups gnomAD compares: Non-Finnish European, 0.00017%; no homozygotes.

Submissions (2):

Ambry Genetics
Classification: Likely benign for Cardiovascular phenotype. Last evaluated: 2025-06-15. Review status: criteria provided, single submitter. Criteria: Ambry Variant Classification Scheme 2023. Collection method: clinical testing. Allele origin: germline.

Mayo Clinic Laboratories, Mayo Clinic
Classification: Uncertain significance. Last evaluated: 2024-11-08. Review status: criteria provided, single submitter. Criteria: ACMG Guidelines, 2015. Collection method: clinical testing. Allele origin: germline. Observed: 1 variant allele.
Comment: BP4, PM2_supporting

NM_001365276.2(TNXB):c.6124A>G (p.Ile2042Val)

Gene: TNXB (tenascin XB; minus strand). Cytogenetic location: 6p21.33.
Variant type: single nucleotide variant.
Coding change: c.6124A>G on transcript NM_001365276.2 (MANE Select); coding-DNA position 6124, A replaced by G.
Protein change: p.Ile2042Val; replaces isoleucine 2042 with valine.
Molecular consequence: missense variant.
Genome position (GRCh38, 1-based): chr6:32,068,486, T>C on the plus strand (A>G on the coding strand, the complement: TNXB is on the minus strand). VCF-style: chr6-32068486-T-C. GRCh37 (hg19) VCF-style: chr6-32036263-T-C.
Other names: p.Ile2042Val; c.6865A>G, p.Ile2289Val (NM_001428335.1); c.6124A>G, p.Ile2042Val (NM_019105.8); short protein forms I2289V, I2042V.
Identifiers: ClinVar variation 4188669 (VCV004188669.2).